The following is an entry in ClinVar:

ClinVar aggregate classification (germline): Pathogenic (1 of 4 stars; one submission).

Submission:

Labcorp Genetics (formerly Invitae), Labcorp
Classification: Pathogenic. Last evaluated: 2021-08-23. Review status: criteria provided, single submitter. Criteria: Invitae Variant Classification Sherloc (09022015). Collection method: clinical testing. Allele origin: germline.
Comment: For these reasons, this variant has been classified as Pathogenic. This variant has not been reported in the literature in individuals affected with USH2A-related conditions. This variant is not present in population databases (ExAC no frequency). This sequence change creates a premature translational stop signal (p.Pro4268Leufs*4) in the USH2A gene. It is expected to result in an absent or disrupted protein product. Loss-of-function variants in USH2A are known to be pathogenic (PMID: 10729113, 10909849, 20507924, 25649381).

Literature cited by the submitters: PubMed 10729113; PubMed 10909849; PubMed 20507924; PubMed 25649381.

NM_206933.4(USH2A):c.12801_12802dup (p.Pro4268fs)

Gene: USH2A (usherin; minus strand). Cytogenetic location: 1q41.
Variant type: Microsatellite.
Coding change: c.12801_12802dup on transcript NM_206933.4 (MANE Select); coding-DNA positions 12801 to 12802, 2 bases duplicated (TC; older notation c.12801_12802dupTC).
Protein change: p.Pro4268fs; shifts the reading frame from proline 4268.
Molecular consequence: frameshift variant.
Genome position (GRCh38, 1-based): chr1:215,675,109-215,675,110, GA duplicated on the plus strand (TC on the coding strand, the reverse complement: USH2A is on the minus strand); duplicating any 2 consecutive bases within chr1:215,675,109-215,675,116 gives the same sequence; the c. name uses the placement nearest the transcript's 3' end. VCF-style (leftmost placement, unchanged base first): chr1-215675108-G-GGA. GRCh37 (hg19) VCF-style: chr1-215848450-G-GGA.
Other names: short protein forms P4268fs.
Identifiers: ClinVar variation 1441689 (VCV001441689.6), dbSNP rs2102666300, ClinGen allele CA2580611236.